The following is an entry in ClinVar:

NM_138691.3(TMC1):c.885-11T>A

Gene: TMC1 (transmembrane channel like 1; plus strand). Cytogenetic location: 9q21.13.
Variant type: single nucleotide variant.
Coding change: c.885-11T>A on transcript NM_138691.3 (MANE Select); 11 bases into the intron before coding-DNA position 885, T replaced by A.
Molecular consequence: intron variant.
Genome position (GRCh38, 1-based): chr9:72,788,328, T>A. VCF-style: chr9-72788328-T-A. GRCh37 (hg19) VCF-style: chr9-75403244-T-A.
Identifiers: ClinVar variation 3688042 (VCV003688042.2).

ClinVar aggregate classification (germline): Uncertain significance (1 of 4 stars; one submission).

Submission:

Labcorp Genetics (formerly Invitae), Labcorp
Classification: Uncertain significance. Last evaluated: 2024-03-15. Review status: criteria provided, single submitter. Criteria: Invitae Variant Classification Sherloc (09022015). Collection method: clinical testing. Allele origin: germline.
Comment: This sequence change falls in intron 13 of the TMC1 gene. It does not directly change the encoded amino acid sequence of the TMC1 protein. This variant is not present in population databases (gnomAD no frequency). This variant has not been reported in the literature in individuals affected with TMC1-related conditions. Algorithms developed to predict the effect of sequence changes on RNA splicing suggest that this variant may disrupt the consensus splice site. In summary, the available evidence is currently insufficient to determine the role of this variant in disease. Therefore, it has been classified as a Variant of Uncertain Significance.